The following is an entry in ClinVar:

NM_182914.3(SYNE2):c.13457C>G (p.Thr4486Ser)

Gene: SYNE2 (spectrin repeat containing nuclear envelope protein 2; plus strand). Cytogenetic location: 14q23.2.
Variant type: single nucleotide variant.
Coding change: c.13457C>G on transcript NM_182914.3 (MANE Select); coding-DNA position 13457, C replaced by G.
Protein change: p.Thr4486Ser; replaces threonine 4486 with serine.
Molecular consequence: missense variant.
Genome position (GRCh38, 1-based): chr14:64,125,113, C>G. VCF-style: chr14-64125113-C-G. GRCh37 (hg19) VCF-style: chr14-64591831-C-G.
Other names: c.13457C>G, p.Thr4486Ser (NM_015180.6); short protein forms T4486S.
Identifiers: ClinVar variation 701822 (VCV000701822.13), dbSNP rs377086810, ClinGen allele CA7222456.

ClinVar aggregate classification (germline): Likely benign. Review status: criteria provided, multiple submitters, no conflicts (2 of 4 stars). 4 submissions from 4 submitters: Likely benign (3). 1 of the submissions does not count toward it. Last evaluated 2025-10-21.

Conditions:
Emery-Dreifuss muscular dystrophy 5, autosomal dominant (EDMD5). Also called: EMERY-DREIFUSS MUSCULAR DYSTROPHY 5. Identifiers: Orphanet 261, MedGen C2751805, MONDO:0013072, OMIM 612999.
SYNE2-related disorder. Also called: SYNE2-related condition.

Allele frequency attached by ClinVar (database versions not stated): gnomAD 0.00001 and 0.00015; TOPMed 0.00006; gnomAD exomes 0.00023 and 0.00037; ExAC 0.00040; 1000 Genomes Project 0.00120; 1000 Genomes Project 30x 0.00125.
gnomAD v4.1: 389 of 1,614,170 alleles (0.024%); highest among the groups gnomAD compares: South Asian, 0.31%; 8 homozygotes.

Submissions (4):

Labcorp Genetics (formerly Invitae), Labcorp
Classification: Likely benign for Emery-Dreifuss muscular dystrophy 5, autosomal dominant. Last evaluated: 2025-10-21. Review status: criteria provided, single submitter. Criteria: Invitae Variant Classification Sherloc (09022015). Collection method: clinical testing. Allele origin: germline.

Ambry Genetics
Classification: Likely benign. Last evaluated: 2025-08-13. Review status: criteria provided, single submitter. Criteria: Ambry Variant Classification Scheme 2023. Collection method: clinical testing. Allele origin: germline.

Blueprint Genetics
Classification: Likely benign. Last evaluated: 2024-10-14. Review status: criteria provided, single submitter. Criteria: ACMG Guidelines, 2015. Collection method: clinical testing. Allele origin: germline.

PreventionGenetics, part of Exact Sciences
Classification: Likely benign for SYNE2-related condition. Last evaluated: 2022-09-07. Review status: no assertion criteria provided. Collection method: clinical testing. Allele origin: germline. Not counted in ClinVar's aggregate classification.
Comment: This variant is classified as likely benign based on ACMG/AMP sequence variant interpretation guidelines (Richards et al. 2015 PMID: 25741868, with internal and published modifications).